The following is an entry in ClinVar:

NM_013391.3(DMGDH):c.1364-19A>G

Gene: DMGDH (dimethylglycine dehydrogenase; minus strand). Cytogenetic location: 5q14.1.
Variant type: single nucleotide variant.
Coding change: c.1364-19A>G on transcript NM_013391.3 (MANE Select); 19 bases into the intron before coding-DNA position 1364, A replaced by G.
Molecular consequence: intron variant.
Genome position (GRCh38, 1-based): chr5:79,032,859, T>C on the plus strand (A>G on the coding strand, the complement: DMGDH is on the minus strand). VCF-style: chr5-79032859-T-C. GRCh37 (hg19) VCF-style: chr5-78328682-T-C.
Identifiers: ClinVar variation 383485 (VCV000383485.1), dbSNP rs75001541, ClinGen allele CA3318747.

ClinVar aggregate classification (germline): Likely benign (1 of 4 stars; one submission).

Allele frequency attached by ClinVar (database versions not stated): 1000 Genomes Project 0.00040; 1000 Genomes Project 30x 0.00047; ESP Exome Variant Server 0.00123; TOPMed 0.00123; gnomAD 0.00144 and 0.00149; gnomAD exomes 0.00147 and 0.00235; ExAC 0.00150.
gnomAD v4.1: 3,569 of 1,613,822 alleles (0.22%); highest among the groups gnomAD compares: Non-Finnish European, 0.28%; 4 homozygotes.

Submission:

GeneDx
Classification: Likely benign. Last evaluated: 2017-12-27. Review status: criteria provided, single submitter. Criteria: GeneDx Variant Classification (06012015). Collection method: clinical testing. Allele origin: germline. Affected: yes.
Comment: This variant is considered likely benign or benign based on one or more of the following criteria: it is a conservative change, it occurs at a poorly conserved position in the protein, it is predicted to be benign by multiple in silico algorithms, and/or has population frequency not consistent with disease.